The following is an entry in ClinVar:

ClinVar aggregate classification (germline): Uncertain significance. Review status: criteria provided, multiple submitters, no conflicts (2 of 4 stars). 2 submissions from 2 submitters: Uncertain significance (2). Last evaluated 2026-09-04.

Conditions:
Gorlin syndrome. Also called: Nevoid Basal Cell Carcinoma Syndrome; Basal cell nevus syndrome. Identifiers: Orphanet 377, MedGen C0004779, MONDO:0007187.
Hereditary cancer-predisposing syndrome. Also called: Hereditary Cancer Syndrome; Hereditary neoplastic syndrome; Neoplastic Syndromes, Hereditary; Tumor predisposition. Identifiers: Orphanet 140162, MedGen C0027672, MeSH D009386, MONDO:0015356.

Submissions (2):

Ambry Genetics
Classification: Uncertain significance for Hereditary cancer-predisposing syndrome. Last evaluated: 2026-09-04. Review status: criteria provided, single submitter. Criteria: Ambry Variant Classification Scheme 2023. Collection method: clinical testing. Allele origin: germline.
Comment: The p.E1428A variant (also known as c.4283A>C), located in coding exon 23 of the PTCH1 gene, results from an A to C substitution at nucleotide position 4283. The glutamic acid at codon 1428 is replaced by alanine, an amino acid with dissimilar properties. This amino acid position is highly conserved in available vertebrate species. In addition, this alteration is predicted to be deleterious by in silico analysis. Based on the available evidence, the clinical significance of this variant remains unclear.

Labcorp Genetics (formerly Invitae), Labcorp
Classification: Uncertain significance for Gorlin syndrome. Last evaluated: 2025-02-18. Review status: criteria provided, single submitter. Criteria: Invitae Variant Classification Sherloc (09022015). Collection method: clinical testing. Allele origin: germline.
Comment: This sequence change replaces glutamic acid, which is acidic and polar, with alanine, which is neutral and non-polar, at codon 1428 of the PTCH1 protein (p.Glu1428Ala). This variant is not present in population databases (gnomAD no frequency). This variant has not been reported in the literature in individuals affected with PTCH1-related conditions. Invitae Evidence Modeling of protein sequence and biophysical properties (such as structural, functional, and spatial information, amino acid conservation, physicochemical variation, residue mobility, and thermodynamic stability) has been performed for this missense variant. However, the output from this modeling did not meet the statistical confidence thresholds required to predict the impact of this variant on PTCH1 protein function. In summary, the available evidence is currently insufficient to determine the role of this variant in disease. Therefore, it has been classified as a Variant of Uncertain Significance.

NM_000264.5(PTCH1):c.4283A>C (p.Glu1428Ala)

Gene: PTCH1 (patched 1; minus strand). Cytogenetic location: 9q22.32.
Variant type: single nucleotide variant.
Coding change: c.4283A>C on transcript NM_000264.5 (MANE Select); coding-DNA position 4283, A replaced by C.
Protein change: p.Glu1428Ala; replaces glutamic acid 1428 with alanine.
Molecular consequence: missense variant. On other transcripts: non-coding transcript variant (1).
Genome position (GRCh38, 1-based): chr9:95,446,973, T>G on the plus strand (A>C on the coding strand, the complement: PTCH1 is on the minus strand). VCF-style: chr9-95446973-T-G. GRCh37 (hg19) VCF-style: chr9-98209255-T-G.
Other names: c.4085A>C, p.Glu1362Ala (NM_001083602.3); c.4280A>C, p.Glu1427Ala (NM_001083603.3); c.3830A>C, p.Glu1277Ala (NM_001083604.3, NM_001083605.3, NM_001083606.3 and 1 more transcripts); c.4127A>C, p.Glu1376Ala (NM_001354918.2); short protein forms E1362A, E1376A, E1277A, E1427A, E1428A.
Identifiers: ClinVar variation 3939943 (VCV003939943.3).